The following is an entry in ClinVar:

ClinVar aggregate classification (germline): Conflicting classifications of pathogenicity. Review status: criteria provided, conflicting classifications (1 of 4 stars). 14 submissions from 11 submitters: Uncertain significance (2); Benign (5); Likely benign (4). 3 of the submissions do not count toward it. Last evaluated 2026-01-21.

Conditions:
Familial Hypertrophic Cardiomyopathy with Wolff-Parkinson-White Syndrome. Identifiers: MedGen CN239247.
Cardiomyopathy (CMYO). Also called: Cardiomyopathies. Identifiers: Orphanet 167848, MedGen C0878544, MONDO:0004994, HP:0001638. Inheritance: Various modes of inheritance.
Dilated cardiomyopathy 2A (CMD2A). Also called: CARDIOMYOPATHY, CONGESTIVE, AUTOSOMAL RECESSIVE; CARDIOMYOPATHY, DILATED, AUTOSOMAL RECESSIVE. Identifiers: Orphanet 154, MedGen C2678474, MONDO:0012746, OMIM 611880.
Cardiomyopathy, familial restrictive, 1. Identifiers: Orphanet 75249, MedGen C1861861, MONDO:0007270, OMIM 115210.
Hypertrophic cardiomyopathy 7. Also called: TNNI3-Related Familial Hypertrophic Cardiomyopathy; Familial hypertrophic cardiomyopathy 7; CARDIOMYOPATHY, FAMILIAL HYPERTROPHIC, 7, MODIFIER OF. Identifiers: MedGen C1860752, MONDO:0013369, OMIM 613690.
Hypertrophic cardiomyopathy. Also called: HYPERTROPHIC MYOCARDIOPATHY. Identifiers: Orphanet 217569, MedGen C0007194, MeSH D002312, MONDO:0005045, HP:0001639.

Allele frequency attached by ClinVar (database versions not stated): ExAC 0.00033; 1000 Genomes Project 30x 0.00078; 1000 Genomes Project 0.00080; ESP Exome Variant Server 0.00105; gnomAD 0.00125 and 0.00141; TOPMed 0.00140.
gnomAD v4.1: 381 of 1,609,660 alleles (0.024%); highest among the groups gnomAD compares: African/African-American, 0.45%; 2 homozygotes.

Submissions (14):

Labcorp Genetics (formerly Invitae), Labcorp
Classification: Benign for Hypertrophic cardiomyopathy. Last evaluated: 2026-01-21. Review status: criteria provided, single submitter. Criteria: Invitae Variant Classification Sherloc (09022015). Collection method: clinical testing. Allele origin: germline.

Blueprint Genetics
Classification: Likely benign. Last evaluated: 2024-11-27. Review status: criteria provided, single submitter. Criteria: ACMG Guidelines, 2015. Collection method: clinical testing. Allele origin: germline.

Women's Health and Genetics/Laboratory Corporation of America, LabCorp
Classification: Benign. Last evaluated: 2022-10-09. Review status: criteria provided, single submitter. Criteria: LabCorp Variant Classification Summary - May 2015. Collection method: clinical testing. Allele origin: germline.

ARUP Laboratories, Molecular Genetics and Genomics, ARUP Laboratories
Classification: Benign. Last evaluated: 2021-07-21. Review status: criteria provided, single submitter. Criteria: ARUP Molecular Germline Variant Investigation Process 2021. Collection method: clinical testing. Allele origin: germline.

Color Diagnostics, LLC DBA Color Health
Classification: Benign for Cardiomyopathy. Last evaluated: 2018-11-14. Review status: criteria provided, single submitter. Criteria: ACMG Guidelines, 2015. Collection method: clinical testing. Allele origin: germline.

Illumina Laboratory Services, Illumina
Classification: Likely benign for Cardiomyopathy, familial restrictive, 1. Last evaluated: 2018-01-12. Review status: criteria provided, single submitter. Criteria: ICSL Variant Classification Criteria 13 December 2019. Collection method: clinical testing. Allele origin: germline.
Comment: This variant was observed in the ICSL laboratory as part of a predisposition screen in an ostensibly healthy population. It had not been previously curated by ICSL or reported in the Human Gene Mutation Database (HGMD: prior to June 1st, 2018), and was therefore a candidate for classification through an automated scoring system. Utilizing variant allele frequency, disease prevalence and penetrance estimates, and inheritance mode, an automated score was calculated to assess if this variant is too frequent to cause the disease. Based on the score and internal cut-off values, a variant classified as likely benign is not then subjected to further curation. The score for this variant resulted in a classification of likely benign for this disease.

Illumina Laboratory Services, Illumina
Classification: Likely benign for Familial Hypertrophic Cardiomyopathy with Wolff-Parkinson-White Syndrome. Last evaluated: 2018-01-12. Review status: criteria provided, single submitter. Criteria: ICSL Variant Classification Criteria 13 December 2019. Collection method: clinical testing. Allele origin: germline.
Comment: the same text as in the submission from Illumina Laboratory Services, Illumina above.

Illumina Laboratory Services, Illumina
Classification: Uncertain significance for Dilated cardiomyopathy 2A. Last evaluated: 2018-01-12. Review status: criteria provided, single submitter. Criteria: ICSL Variant Classification Criteria 13 December 2019. Collection method: clinical testing. Allele origin: germline.

Illumina Laboratory Services, Illumina
Classification: Uncertain significance for Hypertrophic cardiomyopathy 7. Last evaluated: 2018-01-12. Review status: criteria provided, single submitter. Criteria: ICSL Variant Classification Criteria 13 December 2019. Collection method: clinical testing. Allele origin: germline.

GeneDx
Classification: Benign. Last evaluated: 2015-03-03. Review status: criteria provided, single submitter. Criteria: GeneDx Variant Classification Process June 2021. Collection method: clinical testing. Allele origin: germline. Affected: yes.

Laboratory for Molecular Medicine, Mass General Brigham Personalized Medicine
Classification: Likely benign. Last evaluated: 2012-11-21. Review status: criteria provided, single submitter. Criteria: LMM Criteria. Collection method: clinical testing. Allele origin: germline. Observed: 2 variant alleles.
Comment: 373-15C>G in intron 6 of TNNI3: This variant is not expected to have clinical si gnificance because it has been identified in 0.3% (13/4048) of African American chromosomes from a broad population by the NHLBI Exome Sequencing Project (dbSNP rs192630178). 373-15C>G in intron 6 of TNNI 3 (rs192630178; allele frequency = 0.3%, 13/4048) **

Cohesion Phenomics
Classification: Benign for Hypertrophic Cardiomyopathy. Last evaluated: 2022-09-27. Review status: no assertion criteria provided. Criteria: ACMG Guidelines, 2015. Collection method: clinical testing. Allele origin: germline. Affected: yes. Not counted in ClinVar's aggregate classification.

Clinical Genetics, Academic Medical Center
Classification: Benign. Review status: no assertion criteria provided. Collection method: clinical testing. Allele origin: germline. Affected: yes. Study: VKGL Data-share Consensus. Not counted in ClinVar's aggregate classification.

Joint Genome Diagnostic Labs from Nijmegen and Maastricht, Radboudumc and MUMC+
Classification: Likely benign. Review status: no assertion criteria provided. Collection method: clinical testing. Allele origin: germline. Affected: yes. Study: VKGL Data-share Consensus. Not counted in ClinVar's aggregate classification.

NM_000363.5(TNNI3):c.373-15C>G

Gene: TNNI3 (troponin I3, cardiac type; minus strand). Cytogenetic location: 19q13.42.
Variant type: single nucleotide variant.
Coding change: c.373-15C>G on transcript NM_000363.5 (MANE Select); 15 bases into the intron before coding-DNA position 373, C replaced by G.
Molecular consequence: intron variant.
Genome position (GRCh38, 1-based): chr19:55,154,221, G>C on the plus strand (C>G on the coding strand, the complement: TNNI3 is on the minus strand). VCF-style: chr19-55154221-G-C. GRCh37 (hg19) VCF-style: chr19-55665589-G-C.
Identifiers: ClinVar variation 43377 (VCV000043377.33), dbSNP rs192630178, ClinGen allele CA021581.
Genomic context (GRCh38, chr19:55,154,221, plus strand): 5'-TAAACTTGCCTCGAAGGTCAAAGATCTTCTGAGTCAGATCTGCAATCTGGGGGCACACGA[G>C]GGGGTGGGTACTTCTCCTTCCATTTCCCGCACACCCAACTCCTCCATCCTACACTCCTTT-3'